The following is an entry in ClinVar:

ClinVar aggregate classification (germline): Uncertain significance (1 of 4 stars; one submission).

Conditions:
Dyskeratosis congenita, autosomal recessive 5 (DKCB5). Identifiers: MedGen C3554656, MONDO:0014076, OMIM 615190.
Pulmonary fibrosis and/or bone marrow failure, Telomere-related, 3. Also called: PULMONARY FIBROSIS AND/OR BONE MARROW FAILURE SYNDROME, TELOMERE-RELATED, 3. Identifiers: Orphanet 2032, MedGen C4225346, MONDO:0014613, OMIM 616373.

Submission:

Labcorp Genetics (formerly Invitae), Labcorp
Classification: Uncertain significance for Dyskeratosis congenita, autosomal recessive 5; Pulmonary fibrosis and/or bone marrow failure, Telomere-related, 3. Last evaluated: 2022-11-04. Review status: criteria provided, single submitter. Criteria: Invitae Variant Classification Sherloc (09022015). Collection method: clinical testing. Allele origin: germline.
Comment: This variant, c.188_190del, results in the deletion of 1 amino acid(s) of the RTEL1 protein (p.Leu63del), but otherwise preserves the integrity of the reading frame. This variant is not present in population databases (gnomAD no frequency). This variant has not been reported in the literature in individuals affected with RTEL1-related conditions. Experimental studies and prediction algorithms are not available or were not evaluated, and the functional significance of this variant is currently unknown. In summary, the available evidence is currently insufficient to determine the role of this variant in disease. Therefore, it has been classified as a Variant of Uncertain Significance.

NM_001283009.2(RTEL1):c.188_190del (p.Leu63del)

Genes: RTEL1 (regulator of telomere elongation helicase 1; plus strand), RTEL1-TNFRSF6B (RTEL1-TNFRSF6B readthrough (NMD candidate); plus strand). Cytogenetic location: 20q13.33.
Variant type: Deletion.
Coding change: c.188_190del on transcript NM_001283009.2 (MANE Select); coding-DNA positions 188 to 190, 3 bases deleted (TCC; older notation c.188_190delTCC).
Protein change: p.Leu63del; deletes leucine 63.
Molecular consequence: inframe deletion. On other transcripts: non-coding transcript variant (1), 5 prime UTR variant (1).
Genome position (GRCh38, 1-based): chr20:63,661,383-63,661,385, TCC deleted; deleting any 3 consecutive bases within chr20:63,661,381-63,661,385 gives the same sequence; the c. name uses the placement nearest the transcript's 3' end. VCF-style (leftmost placement, unchanged base first): chr20-63661380-ACCT-A. GRCh37 (hg19) VCF-style: chr20-62292733-ACCT-A.
Other names: c.-482_-480del (NM_001283010.1); c.188_190del, p.Leu63del (NM_016434.4, NM_032957.5); short protein forms L63del.
Identifiers: ClinVar variation 2931668 (VCV002931668.3), dbSNP rs2516992463, ClinGen allele CA2740094626.